The following is an entry in ClinVar:

ClinVar aggregate classification (germline): Uncertain significance (1 of 4 stars; one submission).

Conditions:
Ataxia-telangiectasia syndrome (AT). Also called: Cerebello-oculocutaneous telangiectasia; Immunodeficiency with ataxia telangiectasia; Ataxia telangiectasia (A-T); LOUIS-BAR SYNDROME; Ataxia-telangiectasia, complementation group D; AT, COMPLEMENTATION GROUP C. Identifiers: Orphanet 100, MedGen C0004135, MONDO:0008840, OMIM 208900.

Submission:

Labcorp Genetics (formerly Invitae), Labcorp
Classification: Uncertain significance for Ataxia-telangiectasia syndrome. Last evaluated: 2021-11-29. Review status: criteria provided, single submitter. Criteria: Invitae Variant Classification Sherloc (09022015). Collection method: clinical testing. Allele origin: germline.
Comment: In summary, the available evidence is currently insufficient to determine the role of this variant in disease. Therefore, it has been classified as a Variant of Uncertain Significance. Advanced modeling of protein sequence and biophysical properties (such as structural, functional, and spatial information, amino acid conservation, physicochemical variation, residue mobility, and thermodynamic stability) performed at Invitae indicates that this missense variant is not expected to disrupt ATM protein function. This variant has not been reported in the literature in individuals affected with ATM-related conditions. This variant is not present in population databases (gnomAD no frequency). This sequence change replaces proline, which is neutral and non-polar, with serine, which is neutral and polar, at codon 424 of the ATM protein (p.Pro424Ser).

NM_000051.4(ATM):c.1270C>T (p.Pro424Ser)

Gene: ATM (ATM serine/threonine kinase; plus strand). Cytogenetic location: 11q22.3.
Variant type: single nucleotide variant.
Coding change: c.1270C>T on transcript NM_000051.4 (MANE Select); coding-DNA position 1270, C replaced by T.
Protein change: p.Pro424Ser; replaces proline 424 with serine.
Molecular consequence: missense variant.
Genome position (GRCh38, 1-based): chr11:108,250,735, C>T. VCF-style: chr11-108250735-C-T. GRCh37 (hg19) VCF-style: chr11-108121462-C-T.
Other names: c.1270C>T, p.Pro424Ser (NM_001351834.2); short protein forms P424S.
Identifiers: ClinVar variation 2017521 (VCV002017521.4), dbSNP rs1591522957, ClinGen allele CA382533405.